The following is an entry in ClinVar:

NM_000222.3(KIT):c.56_57delinsAA (p.Arg19Gln)

Gene: KIT (KIT proto-oncogene, receptor tyrosine kinase; plus strand). Cytogenetic location: 4q12.
Variant type: Indel.
Coding change: c.56_57delinsAA on transcript NM_000222.3 (MANE Select); coding-DNA positions 56 to 57, GC replaced by AA.
Protein change: p.Arg19Gln; replaces arginine 19 with glutamine.
Molecular consequence: missense variant.
Genome position (GRCh38, 1-based): chr4:54,658,070-54,658,071, GC replaced by AA. VCF-style: chr4-54658070-GC-AA. GRCh37 (hg19) VCF-style: chr4-55524237-GC-AA.
Other names: c.56_57delinsAA, p.Arg19Gln (NM_001385286.1, NM_001385288.1, NM_001385290.1 and 4 more transcripts); short protein forms R19Q.
Identifiers: ClinVar variation 2734936 (VCV002734936.3), dbSNP rs1577898667, ClinGen allele CA2697546705.

ClinVar aggregate classification (germline): Uncertain significance (1 of 4 stars; one submission).

Conditions:
Gastrointestinal stromal tumor. Also called: Gastrointestinal stromal tumor, somatic; Gastrointestinal stroma tumor. Identifiers: Orphanet 44890, MedGen C0238198, MeSH D046152, MONDO:0011719, OMIM 606764, HP:0100723.

Submission:

Labcorp Genetics (formerly Invitae), Labcorp
Classification: Uncertain significance for Gastrointestinal stromal tumor. Last evaluated: 2023-07-29. Review status: criteria provided, single submitter. Criteria: Invitae Variant Classification Sherloc (09022015). Collection method: clinical testing. Allele origin: germline.
Comment: This sequence change replaces arginine, which is basic and polar, with glutamine, which is neutral and polar, at codon 19 of the KIT protein (p.Arg19Gln). Information on the frequency of this variant in the gnomAD database is not available, as this variant may be reported differently in the database. This variant has not been reported in the literature in individuals affected with KIT-related conditions. An algorithm developed to predict the effect of missense changes on protein structure and function (PolyPhen-2) suggests that this variant is likely to be tolerated. In summary, the available evidence is currently insufficient to determine the role of this variant in disease. Therefore, it has been classified as a Variant of Uncertain Significance.